The following is an entry in ClinVar:

NM_020911.2(PLXNA4):c.3939G>A (p.Pro1313=)

Gene: PLXNA4 (plexin A4; minus strand). Cytogenetic location: 7q32.3.
Variant type: single nucleotide variant.
Coding change: c.3939G>A on transcript NM_020911.2 (MANE Select); coding-DNA position 3939, G replaced by A.
Protein change: p.Pro1313=; no amino-acid change (proline 1313 retained).
Molecular consequence: synonymous variant.
Genome position (GRCh38, 1-based): chr7:132,174,856, C>T on the plus strand (G>A on the coding strand, the complement: PLXNA4 is on the minus strand). VCF-style: chr7-132174856-C-T. GRCh37 (hg19) VCF-style: chr7-131859615-C-T.
Other names: c.3939G>A, p.Pro1313= (NM_001393897.1).
Identifiers: ClinVar variation 3352352 (VCV003352352.1).

ClinVar aggregate classification (germline): Likely benign (0 of 4 stars; one submission).

Conditions:
PLXNA4-related disorder. Also called: PLXNA4-related condition.

gnomAD v4.1: 39 of 1,614,076 alleles (0.0024%); highest among the groups gnomAD compares: East Asian, 0.0067%; no homozygotes.

Submission:

PreventionGenetics, part of Exact Sciences
Classification: Likely benign for PLXNA4-related condition. Last evaluated: 2022-01-22. Review status: no assertion criteria provided. Collection method: clinical testing. Allele origin: germline.
Comment: This variant is classified as likely benign based on ACMG/AMP sequence variant interpretation guidelines (Richards et al. 2015 PMID: 25741868, with internal and published modifications).